The following is an entry in ClinVar:

NM_018055.5(NODAL):c.658T>C (p.Trp220Arg)

Gene: NODAL (nodal growth differentiation factor; minus strand). Cytogenetic location: 10q22.1.
Variant type: single nucleotide variant.
Coding change: c.658T>C on transcript NM_018055.5 (MANE Select); coding-DNA position 658, T replaced by C.
Protein change: p.Trp220Arg; replaces tryptophan 220 with arginine.
Molecular consequence: missense variant.
Genome position (GRCh38, 1-based): chr10:70,435,519, A>G on the plus strand (T>C on the coding strand, the complement: NODAL is on the minus strand). VCF-style: chr10-70435519-A-G. GRCh37 (hg19) VCF-style: chr10-72195275-A-G.
Other names: c.259T>C, p.Trp87Arg (NM_001329906.2); short protein forms W220R, W87R.
Identifiers: ClinVar variation 407446 (VCV000407446.9), dbSNP rs776168916, ClinGen allele CA5537555.
Genomic context (GRCh38, chr10:70,435,519, plus strand): 5'-AGTGATGTCGACGGTGCCTCTTGCCCCACTCCCAGGACAGCTGTCCCTCCTGGGCCCGCC[A>G]GGAGCTCTCGGCTTCCCACAGCAAGGTGGACCCACCCAGCTGCCTCTGCTCCTGCGAGAG-3'
Protein context (NP_060525.3, residues 210-230): STLLWEAESS[Trp220Arg]RAQEGQLSWE

ClinVar aggregate classification (germline): Uncertain significance. Review status: criteria provided, multiple submitters, no conflicts (2 of 4 stars). 2 submissions from 2 submitters: Uncertain significance (2). Last evaluated 2023-07-17.

Conditions:
Heterotaxy, visceral, 5, autosomal (HTX5). Also called: Heterotaxy, visceral, 5. Identifiers: Orphanet 450, MedGen C3495537, MONDO:0700112, OMIM 270100.
Inborn genetic diseases. Identifiers: MedGen C0950123, MeSH D030342.

Allele frequency attached by ClinVar (database versions not stated): ExAC 0.00002; gnomAD exomes 0.00002 and 0.00006; gnomAD 0.00007 and 0.00008; TOPMed 0.00007.
gnomAD v4.1: 105 of 1,613,930 alleles (0.0065%); highest among the groups gnomAD compares: Non-Finnish European, 0.0084%; no homozygotes.

Submissions (2):

Labcorp Genetics (formerly Invitae), Labcorp
Classification: Uncertain significance for Heterotaxy, visceral, 5, autosomal. Last evaluated: 2023-07-17. Review status: criteria provided, single submitter. Criteria: Invitae Variant Classification Sherloc (09022015). Collection method: clinical testing. Allele origin: germline.
Comment: Advanced modeling of protein sequence and biophysical properties (such as structural, functional, and spatial information, amino acid conservation, physicochemical variation, residue mobility, and thermodynamic stability) performed at Invitae indicates that this missense variant is not expected to disrupt NODAL protein function. In summary, the available evidence is currently insufficient to determine the role of this variant in disease. Therefore, it has been classified as a Variant of Uncertain Significance. ClinVar contains an entry for this variant (Variation ID: 407446). This variant has not been reported in the literature in individuals affected with NODAL-related conditions. This variant is present in population databases (rs776168916, gnomAD 0.006%). This sequence change replaces tryptophan, which is neutral and slightly polar, with arginine, which is basic and polar, at codon 220 of the NODAL protein (p.Trp220Arg).

Ambry Genetics
Classification: Uncertain significance for Inborn genetic diseases. Last evaluated: 2022-08-12. Review status: criteria provided, single submitter. Criteria: Ambry Variant Classification Scheme 2023. Collection method: clinical testing. Allele origin: germline.